The following is an entry in ClinVar:

NM_024027.5(COLEC11):c.588C>T (p.Ala196=)

Gene: COLEC11 (collectin subfamily member 11; plus strand). Cytogenetic location: 2p25.3.
Variant type: single nucleotide variant.
Coding change: c.588C>T on transcript NM_024027.5 (MANE Select); coding-DNA position 588, C replaced by T.
Protein change: p.Ala196=; no amino-acid change (alanine 196 retained).
Molecular consequence: synonymous variant. On other transcripts: non-coding transcript variant (1).
Genome position (GRCh38, 1-based): chr2:3,643,890, C>T. VCF-style: chr2-3643890-C-T. GRCh37 (hg19) VCF-style: chr2-3691480-C-T.
Other names: c.516C>T, p.Ala172= (NM_001255982.2, NM_001255983.2); c.444C>T, p.Ala148= (NM_001255984.2); c.630C>T, p.Ala210= (NM_001255985.1); c.510C>T, p.Ala170= (NM_001255986.1); c.438C>T, p.Ala146= (NM_001255987.1, NM_001255988.1); c.366C>T, p.Ala122= (NM_001255989.1); c.579C>T, p.Ala193= (NM_199235.3).
Identifiers: ClinVar variation 739546 (VCV000739546.23), dbSNP rs367740433, ClinGen allele CA1517110.
Genomic context (GRCh38, chr2:3,643,890, plus strand): 5'-GCTGAGCATGCCCAAGGACGAGGCTGCCAATGGCCTGATGGCCGCATACCTGGCGCAAGC[C>T]GGCCTGGCCCGTGTCTTCATCGGCATCAACGACCTGGAGAAGGAGGGCGCCTTCGTGTAC-3'
Protein context (NP_076932.1, residues 186-206): NGLMAAYLAQ[Ala196=]GLARVFIGIN

ClinVar aggregate classification (germline): Likely benign. Review status: criteria provided, multiple submitters, no conflicts (2 of 4 stars). 3 submissions from 3 submitters: Likely benign (3). Last evaluated 2026-01-18.

Allele frequency attached by ClinVar (database versions not stated): ExAC 0.00008; gnomAD exomes 0.00008; gnomAD 0.00029 and 0.00035; ESP Exome Variant Server 0.00031; TOPMed 0.00032.
gnomAD v4.1: 125 of 1,613,724 alleles (0.0077%); highest among the groups gnomAD compares: African/African-American, 0.1%; no homozygotes.

Submissions (3):

Labcorp Genetics (formerly Invitae), Labcorp
Classification: Likely benign. Last evaluated: 2026-01-18. Review status: criteria provided, single submitter. Criteria: Invitae Variant Classification Sherloc (09022015). Collection method: clinical testing. Allele origin: germline.

CeGaT Center for Human Genetics Tuebingen
Classification: Likely benign. Last evaluated: 2025-11-01. Review status: criteria provided, single submitter. Criteria: CeGaT Center For Human Genetics Tuebingen Variant Classification Criteria Version 2. Collection method: clinical testing. Allele origin: germline. Affected: yes. Observed: 2 variant alleles.
Comment: COLEC11: BP4, BP7

Blueprint Genetics
Classification: Likely benign. Last evaluated: 2024-11-11. Review status: criteria provided, single submitter. Criteria: ACMG Guidelines, 2015. Collection method: clinical testing. Allele origin: germline.